The following is an entry in ClinVar:

NM_015909.4(NBAS):c.2802G>A (p.Trp934Ter)

Gene: NBAS (NBAS subunit of NRZ tethering complex; minus strand). Cytogenetic location: 2p24.3.
Variant type: single nucleotide variant.
Coding change: c.2802G>A on transcript NM_015909.4 (MANE Select); coding-DNA position 2802, G replaced by A.
Protein change: p.Trp934Ter; replaces tryptophan 934 with a stop codon.
Molecular consequence: nonsense. On other transcripts: non-coding transcript variant (1).
Genome position (GRCh38, 1-based): chr2:15,415,681, C>T on the plus strand (G>A on the coding strand, the complement: NBAS is on the minus strand). VCF-style: chr2-15415681-C-T. GRCh37 (hg19) VCF-style: chr2-15555805-C-T.
Other names: short protein forms W934*.
Identifiers: ClinVar variation 1452384 (VCV001452384.9), dbSNP rs1572813576, ClinGen allele CA345885832.

ClinVar aggregate classification (germline): Pathogenic. Review status: criteria provided, multiple submitters, no conflicts (2 of 4 stars). 2 submissions from 2 submitters: Pathogenic (2). Last evaluated 2024-04-05.

Conditions:
Infantile liver failure syndrome 2 (ILFS2). Identifiers: MedGen C3809651, MONDO:0014659, OMIM 616483.

Allele frequency attached by ClinVar (database versions not stated): gnomAD exomes below 0.00001.
gnomAD v4.1: 5 of 1,614,172 alleles (0.00031%); highest among the groups gnomAD compares: Non-Finnish European, 0.00042%; no homozygotes.

Submissions (2):

Labcorp Genetics (formerly Invitae), Labcorp
Classification: Pathogenic. Last evaluated: 2024-04-05. Review status: criteria provided, single submitter. Criteria: Invitae Variant Classification Sherloc (09022015). Collection method: clinical testing. Allele origin: germline.
Comment: This sequence change creates a premature translational stop signal (p.Trp934*) in the NBAS gene. It is expected to result in an absent or disrupted protein product. Loss-of-function variants in NBAS are known to be pathogenic (PMID: 26073778, 26541327, 27789416, 28031453). This variant is not present in population databases (gnomAD no frequency). This premature translational stop signal has been observed in individual(s) with NBAS-related conditions (PMID: 31761904). ClinVar contains an entry for this variant (Variation ID: 1452384). For these reasons, this variant has been classified as Pathogenic.

Victorian Clinical Genetics Services, Murdoch Childrens Research Institute
Classification: Pathogenic for Infantile liver failure syndrome 2. Last evaluated: 2021-05-06. Review status: criteria provided, single submitter. Criteria: ACMG Guidelines, 2015. Collection method: clinical testing. Allele origin: germline. Inheritance: Autosomal recessive inheritance. Affected: yes.
Comment: Based on the classification scheme VCGS_Germline_v1.3.4, this variant is classified as Pathogenic. Following criteria are met: 0102 - Loss of function is a known mechanism of disease in this gene and is associated with infantile liver failure syndrome 2 (MIM#616483) and short stature, optic nerve atrophy, and Pelger-Huet anomaly (MIM#614800). (I) 0106 - This gene is associated with autosomal recessive disease. (I) 0201 - Variant is predicted to cause nonsense-mediated decay (NMD) and loss of protein (premature termination codon is located at least 54 nucleotides upstream of the final exon-exon junction). (SP) 0251 - This variant is heterozygous. (I) 0301 - Variant is absent from gnomAD (both v2 and v3). (SP) 0701 - Multiple NMD predicted variants comparable to the one identified in this case have very strong previous evidence for pathogenicity (ClinVar). (SP) 0803 - This variant has limited previous evidence of pathogenicity in an individual. This variant has been reported in one individual with NBAS-related disease (PMID: 31761904). (SP) 0905 - No published segregation evidence has been identified for this variant. (I) 1007 - No published functional evidence has been identified for this variant. (I) 1208 - Inheritance information for this variant is not currently available in this individual. (I) Legend: (SP) - Supporting pathogenic, (I) - Information, (SB) - Supporting benign

Literature cited by the submitters: PubMed 26073778 (cited by Labcorp Genetics (formerly Invitae), Labcorp); PubMed 26541327 (cited by Labcorp Genetics (formerly Invitae), Labcorp); PubMed 27789416 (cited by Labcorp Genetics (formerly Invitae), Labcorp); PubMed 28031453 (cited by Labcorp Genetics (formerly Invitae), Labcorp); PubMed 31761904 (cited by Labcorp Genetics (formerly Invitae), Labcorp and Victorian Clinical Genetics Services, Murdoch Childrens Research Institute).